The following is an entry in ClinVar:

ClinVar aggregate classification (germline): Likely benign. Review status: criteria provided, multiple submitters, no conflicts (2 of 4 stars). 2 submissions from 2 submitters: Likely benign (2). Last evaluated 2025-04-24.

Conditions:
BBS7-related disorder. Also called: BBS7-related condition.
Bardet-Biedl syndrome (BBS). Identifiers: Orphanet 110, MedGen C0752166, MONDO:0015229.

Allele frequency attached by ClinVar (database versions not stated): gnomAD 0.00001; gnomAD exomes 0.00001; TOPMed 0.00001; ExAC 0.00003.
gnomAD v4.1: 13 of 1,611,358 alleles (0.00081%); highest among the groups gnomAD compares: Non-Finnish European, 0.0011%; no homozygotes.

Submissions (2):

PreventionGenetics, part of Exact Sciences
Classification: Likely benign for BBS7-related condition. Last evaluated: 2025-04-24. Review status: criteria provided, single submitter. Criteria: ACMG Guidelines, 2015. Collection method: clinical testing. Allele origin: germline.
Comment: This variant is classified as likely benign based on ACMG/AMP sequence variant interpretation guidelines (Richards et al. 2015 PMID: 25741868, with internal and published modifications).

Labcorp Genetics (formerly Invitae), Labcorp
Classification: Likely benign for Bardet-Biedl syndrome. Last evaluated: 2023-10-17. Review status: criteria provided, single submitter. Criteria: Invitae Variant Classification Sherloc (09022015). Collection method: clinical testing. Allele origin: germline.

NM_176824.3(BBS7):c.37-5T>C

Gene: BBS7 (Bardet-Biedl syndrome 7; minus strand). Cytogenetic location: 4q27.
Variant type: single nucleotide variant.
Coding change: c.37-5T>C on transcript NM_176824.3 (MANE Select); 5 bases into the intron before coding-DNA position 37, T replaced by C.
Molecular consequence: intron variant.
Genome position (GRCh38, 1-based): chr4:121,868,051, A>G on the plus strand (T>C on the coding strand, the complement: BBS7 is on the minus strand). VCF-style: chr4-121868051-A-G. GRCh37 (hg19) VCF-style: chr4-122789206-A-G.
Other names: c.37-5T>C (NM_176824.2, NM_018190.4).
Identifiers: ClinVar variation 2428417 (VCV002428417.7), dbSNP rs756130737, ClinGen allele CA3064618.